The following is an entry in ClinVar:

NM_006612.6(KIF1C):c.2476C>G (p.Arg826Gly)

Gene: KIF1C (kinesin family member 1C; plus strand). Cytogenetic location: 17p13.2.
Variant type: single nucleotide variant.
Coding change: c.2476C>G on transcript NM_006612.6 (MANE Select); coding-DNA position 2476, C replaced by G.
Protein change: p.Arg826Gly; replaces arginine 826 with glycine.
Molecular consequence: missense variant.
Genome position (GRCh38, 1-based): chr17:5,022,557, C>G. VCF-style: chr17-5022557-C-G. GRCh37 (hg19) VCF-style: chr17-4925852-C-G.
Other names: short protein forms R826G.
Identifiers: ClinVar variation 1982595 (VCV001982595.4), dbSNP rs1425712894, ClinGen allele CA397314963.

ClinVar aggregate classification (germline): Uncertain significance (1 of 4 stars; one submission).

Conditions:
Spastic ataxia 2. Also called: Ataxia, spastic, 2, autosomal recessive. Identifiers: Orphanet 397946, MedGen C1969796, MONDO:0012651, OMIM 611302.

Allele frequency attached by ClinVar (database versions not stated): TOPMed below 0.00001.
gnomAD v4.1: 2 of 1,591,056 alleles (0.00013%); highest among the groups gnomAD compares: African/African-American, 0.0027%; no homozygotes.

Submission:

Labcorp Genetics (formerly Invitae), Labcorp
Classification: Uncertain significance for Spastic ataxia 2. Last evaluated: 2023-10-13. Review status: criteria provided, single submitter. Criteria: Invitae Variant Classification Sherloc (09022015). Collection method: clinical testing. Allele origin: germline.
Comment: This sequence change replaces arginine, which is basic and polar, with glycine, which is neutral and non-polar, at codon 826 of the KIF1C protein (p.Arg826Gly). This variant is not present in population databases (gnomAD no frequency). This variant has not been reported in the literature in individuals affected with KIF1C-related conditions. ClinVar contains an entry for this variant (Variation ID: 1982595). An algorithm developed to predict the effect of missense changes on protein structure and function (PolyPhen-2) suggests that this variant is likely to be tolerated. In summary, the available evidence is currently insufficient to determine the role of this variant in disease. Therefore, it has been classified as a Variant of Uncertain Significance.